The following is an entry in ClinVar:

ClinVar aggregate classification (germline): Uncertain significance. Review status: criteria provided, multiple submitters, no conflicts (2 of 4 stars). 2 submissions from 2 submitters: Uncertain significance (2). Last evaluated 2022-07-17.

Conditions:
Propionic acidemia (PROP). Also called: GLYCINEMIA, KETOTIC; HYPERGLYCINEMIA WITH KETOACIDOSIS AND LEUKOPENIA; KETOTIC HYPERGLYCINEMIA. Identifiers: Orphanet 35, MedGen C0268579, MONDO:0011628, OMIM 606054, HP:0003571.

Allele frequency attached by ClinVar (database versions not stated): gnomAD 0.00001; gnomAD exomes 0.00001; TOPMed 0.00001.
gnomAD v4.1: 15 of 1,602,522 alleles (0.00094%); highest among the groups gnomAD compares: Non-Finnish European, 0.0012%; no homozygotes.

Submissions (2):

Labcorp Genetics (formerly Invitae), Labcorp
Classification: Uncertain significance for Propionic acidemia. Last evaluated: 2022-07-17. Review status: criteria provided, single submitter. Criteria: Invitae Variant Classification Sherloc (09022015). Collection method: clinical testing. Allele origin: germline.
Comment: This sequence change replaces isoleucine, which is neutral and non-polar, with threonine, which is neutral and polar, at codon 482 of the PCCA protein (p.Ile482Thr). This variant is not present in population databases (gnomAD no frequency). This variant has not been reported in the literature in individuals affected with PCCA-related conditions. ClinVar contains an entry for this variant (Variation ID: 882231). Advanced modeling of protein sequence and biophysical properties (such as structural, functional, and spatial information, amino acid conservation, physicochemical variation, residue mobility, and thermodynamic stability) performed at Invitae indicates that this missense variant is expected to disrupt PCCA protein function. In summary, the available evidence is currently insufficient to determine the role of this variant in disease. Therefore, it has been classified as a Variant of Uncertain Significance.

Illumina Laboratory Services, Illumina
Classification: Uncertain significance for Propionic acidemia. Last evaluated: 2018-01-12. Review status: criteria provided, single submitter. Criteria: ICSL Variant Classification Criteria 13 December 2019. Collection method: clinical testing. Allele origin: germline.

NM_000282.4(PCCA):c.1445T>C (p.Ile482Thr)

Gene: PCCA (propionyl-CoA carboxylase subunit alpha; plus strand). Cytogenetic location: 13q32.3.
Variant type: single nucleotide variant.
Coding change: c.1445T>C on transcript NM_000282.4 (MANE Select); coding-DNA position 1445, T replaced by C.
Protein change: p.Ile482Thr; replaces isoleucine 482 with threonine.
Molecular consequence: missense variant. On other transcripts: non-coding transcript variant (5).
Genome position (GRCh38, 1-based): chr13:100,330,576, T>C. VCF-style: chr13-100330576-T-C. GRCh37 (hg19) VCF-style: chr13-100982830-T-C.
Other names: c.1367T>C, p.Ile456Thr (NM_001127692.3, NM_001352607.2); c.1445T>C, p.Ile482Thr (NM_001178004.2, NM_001352605.2, NM_001352609.2); c.1301T>C, p.Ile434Thr (NM_001352606.2); c.1223T>C, p.Ile408Thr (NM_001352608.2); c.500T>C, p.Ile167Thr (NM_001352610.2, NM_001352611.2); c.356T>C, p.Ile119Thr (NM_001352612.2); short protein forms I408T, I434T, I482T, I456T, I119T, I167T.
Identifiers: ClinVar variation 882231 (VCV000882231.5), dbSNP rs1349455848, ClinGen allele CA388696078.
Genomic context (GRCh38, chr13:100,330,576, plus strand): 5'-TTCACTGATTCATTGTTCTTCAATTTGATATCATTTTACTTTTAGGTGTTACACATAATA[T>C]TGCATTACTTCGAGAGGTGATAATCAACTCACGCTTTGTAAAAGGAGACATCAGCACTAA-3'
Protein context (NP_000273.2, residues 472-492): NYVIRGVTHN[Ile482Thr]ALLREVIINS